The following is an entry in ClinVar:

NM_001353694.2(TIAM1):c.333C>A (p.Ser111Arg)

Gene: TIAM1 (TIAM Rac1 associated GEF 1; minus strand). Cytogenetic location: 21q22.11.
Variant type: single nucleotide variant.
Coding change: c.333C>A on transcript NM_001353694.2 (MANE Select); coding-DNA position 333, C replaced by A.
Protein change: p.Ser111Arg; replaces serine 111 with arginine.
Molecular consequence: missense variant.
Genome position (GRCh38, 1-based): chr21:31,266,640, G>T on the plus strand (C>A on the coding strand, the complement: TIAM1 is on the minus strand). VCF-style: chr21-31266640-G-T. GRCh37 (hg19) VCF-style: chr21-32638956-G-T.
Other names: c.333C>A, p.Ser111Arg (NM_001353686.2, NM_001353687.2, NM_001353688.1 and 6 more transcripts); short protein forms S111R.
Identifiers: ClinVar variation 2461424 (VCV002461424.5), dbSNP rs200120014, ClinGen allele CA9998694.

ClinVar aggregate classification (germline): Uncertain significance. Review status: criteria provided, multiple submitters, no conflicts (2 of 4 stars). 3 submissions from 3 submitters: Uncertain significance (3). Last evaluated 2025-10-18.

Allele frequency attached by ClinVar (database versions not stated): 1000 Genomes Project 0.00020; ESP Exome Variant Server 0.00008; 1000 Genomes Project 30x 0.00016.
gnomAD v4.1: 169 of 1,614,222 alleles (0.01%); highest among the groups gnomAD compares: Admixed American, 0.042%; no homozygotes.

Submissions (3):

Ambry Genetics
Classification: Uncertain significance. Last evaluated: 2025-10-18. Review status: criteria provided, single submitter. Criteria: Ambry Variant Classification Scheme 2023. Collection method: clinical testing. Allele origin: germline.

Women's Health and Genetics/Laboratory Corporation of America, LabCorp
Classification: Uncertain significance. Last evaluated: 2025-02-21. Review status: criteria provided, single submitter. Criteria: LabCorp Variant Classification Summary - May 2015. Collection method: clinical testing. Allele origin: germline.
Comment: Variant summary: TIAM1 c.333C>A (p.Ser111Arg) results in a non-conservative amino acid change in the encoded protein sequence. Three of five in-silico tools predict a damaging effect of the variant on protein function. The variant allele was found at a frequency of 0.00016 in 251460 control chromosomes. This frequency is not significantly higher than estimated for a pathogenic variant in TIAM1 causing Neurodevelopmental Disorder With Language Delay And Seizures, allowing no conclusion about variant significance. To our knowledge, no occurrence of c.333C>A in individuals affected with Neurodevelopmental Disorder With Language Delay And Seizures and no experimental evidence demonstrating its impact on protein function have been reported. ClinVar contains an entry for this variant (Variation ID: 2461424). Based on the evidence outlined above, the variant was classified as uncertain significance.

GeneDx
Classification: Uncertain significance. Last evaluated: 2024-04-25. Review status: criteria provided, single submitter. Criteria: GeneDx Variant Classification Process June 2021. Collection method: clinical testing. Allele origin: germline. Affected: yes.
Comment: In silico analysis supports that this missense variant has a deleterious effect on protein structure/function; Has not been previously published as pathogenic or benign to our knowledge